The following is an entry in ClinVar:

NM_031892.3(SH3KBP1):c.1569G>A (p.Ala523=)

Gene: SH3KBP1 (SH3 domain containing kinase binding protein 1; minus strand). Cytogenetic location: Xp22.12.
Variant type: single nucleotide variant.
Coding change: c.1569G>A on transcript NM_031892.3 (MANE Select); coding-DNA position 1569, G replaced by A.
Protein change: p.Ala523=; no amino-acid change (alanine 523 retained).
Molecular consequence: synonymous variant. On other transcripts: intron variant (7).
Genome position (GRCh38, 1-based): chrX:19,545,976, C>T on the plus strand (G>A on the coding strand, the complement: SH3KBP1 is on the minus strand). VCF-style: chrX-19545976-C-T. GRCh37 (hg19) VCF-style: chrX-19564094-C-T.
Other names: c.1458G>A, p.Ala486= (NM_001024666.3); c.855G>A, p.Ala285= (NM_001184960.2); c.1644G>A, p.Ala548= (NM_001353891.2); c.1467G>A, p.Ala489= (NM_001353893.2); c.1701G>A, p.Ala567= (NM_001410756.1); c.1495-3783G>A (NM_001353890.2); c.1570-3783G>A (NM_001353892.2); c.1627-3783G>A (NM_001410757.1); and 4 more.
Identifiers: ClinVar variation 1919176 (VCV001919176.29), dbSNP rs774231245, ClinGen allele CA10364517.

ClinVar aggregate classification (germline): Likely benign. Review status: criteria provided, multiple submitters, no conflicts (2 of 4 stars). 2 submissions from 2 submitters: Likely benign (2). Last evaluated 2024-10-30.

Allele frequency attached by ClinVar (database versions not stated): ExAC 0.00001; gnomAD 0.00002; gnomAD exomes 0.00003; TOPMed 0.00003.
gnomAD v4.1: 33 of 1,208,674 alleles (0.0027%); highest among the groups gnomAD compares: African/African-American, 0.0035%; no homozygotes.

Submissions (2):

Labcorp Genetics (formerly Invitae), Labcorp
Classification: Likely benign. Last evaluated: 2024-10-30. Review status: criteria provided, single submitter. Criteria: Invitae Variant Classification Sherloc (09022015). Collection method: clinical testing. Allele origin: germline.

CeGaT Center for Human Genetics Tuebingen
Classification: Likely benign. Last evaluated: 2023-01-01. Review status: criteria provided, single submitter. Criteria: CeGaT Center For Human Genetics Tuebingen Variant Classification Criteria Version 2. Collection method: clinical testing. Allele origin: germline. Affected: yes. Observed: 1 variant allele.
Comment: SH3KBP1: BP4, BP7, BS2